The following is an entry in ClinVar:

ClinVar aggregate classification (germline): Likely pathogenic (1 of 4 stars; one submission).

Conditions:
Primary ciliary dyskinesia 7. Also called: CILIARY DYSKINESIA, PRIMARY, 7, WITH OR WITHOUT SITUS INVERSUS. Identifiers: Orphanet 244, MedGen C2678473, MONDO:0012748, OMIM 611884.

gnomAD v4.1: 2 of 1,590,450 alleles (0.00013%); highest among the groups gnomAD compares: African/African-American, 0.0014%; no homozygotes.

Submission:

Broad Center for Mendelian Genomics, Broad Institute of MIT and Harvard
Classification: Likely pathogenic for Primary ciliary dyskinesia 7. Last evaluated: 2025-02-11. Review status: criteria provided, single submitter. Criteria: ACMG Guidelines, 2015. Collection method: curation. Allele origin: germline. Inheritance: Autosomal recessive inheritance.
Comment: The c.1974-1G>C variant in DNAH11 has been reported in 1 individual with primary ciliary dyskinesia (PMID: 34405951), and has been identified in 0.001% (1/73488) of African/African American chromosomes by the Genome Aggregation Database (gnomAD; dbSNP rs1359107415). Although this variant has been seen in the general population in a heterozygous state, its frequency is low enough to be consistent with a recessive carrier frequency. This variant is located in the 3' splice region. Computational tools predict a splicing impact, though this information is not predictive enough to determine. Loss of function of the DNAH11 gene is an established disease mechanism in autosomal recessive primary ciliary dyskinesia. Minigene analysis shows out of frame exon skipping of exon 12 (PMID:34405951). In summary, although additional studies are required to fully establish its clinical significance, this variant is likely pathogenic for autosomal recessive primary ciliary dyskinesia. ACMG/AMP Criteria applied: PVS1, PM2_supporting (Richards 2015).

NM_001277115.2(DNAH11):c.1974-1G>C

Gene: DNAH11 (dynein axonemal heavy chain 11; plus strand). Cytogenetic location: 7p15.3.
Variant type: single nucleotide variant.
Coding change: c.1974-1G>C on transcript NM_001277115.2 (MANE Select); the canonical splice acceptor site of the intron before coding-DNA position 1974, G replaced by C.
Molecular consequence: splice acceptor variant.
Genome position (GRCh38, 1-based): chr7:21,589,207, G>C. VCF-style: chr7-21589207-G-C. GRCh37 (hg19) VCF-style: chr7-21628825-G-C.
Other names: NM_001277115.2:c.1974-1G>C.
Identifiers: ClinVar variation 3776908 (VCV003776908.1).